The following is an entry in ClinVar:

ClinVar aggregate classification (germline): Pathogenic. Review status: criteria provided, multiple submitters, no conflicts (2 of 4 stars). 3 submissions from 3 submitters: Pathogenic (2). 1 of the submissions does not count toward it. Last evaluated 2022-01-24.

Conditions:
USH1G-related disorder. Also called: USH1G-related condition; USH1G-related disorders.
Usher syndrome type 1G. Also called: USHER SYNDROME, TYPE IG, MILD. Identifiers: Orphanet 231169, Orphanet 886, MedGen C1847089, MONDO:0011748, OMIM 606943.

Allele frequency attached by ClinVar (database versions not stated): gnomAD exomes 0.00001.
gnomAD v4.1: 15 of 1,552,616 alleles (0.00097%); highest among the groups gnomAD compares: Non-Finnish European, 0.0013%; no homozygotes.

Submissions (3):

Blueprint Genetics
Classification: Pathogenic for USH1G-related disorders. Last evaluated: 2022-01-24. Review status: criteria provided, single submitter. Criteria: ACMG Guidelines, 2015. Collection method: clinical testing. Allele origin: germline. Affected: yes. Observed: 2 variant alleles.

Labcorp Genetics (formerly Invitae), Labcorp
Classification: Pathogenic. Last evaluated: 2021-02-20. Review status: criteria provided, single submitter. Criteria: Invitae Variant Classification Sherloc (09022015). Collection method: clinical testing. Allele origin: germline.
Comment: This variant is not present in population databases (ExAC no frequency). For these reasons, this variant has been classified as Pathogenic. Algorithms developed to predict the effect of sequence changes on RNA splicing suggest that this variant may create or strengthen a splice site, but this prediction has not been confirmed by published transcriptional studies. This variant has been observed in individual(s) with Usher syndrome (PMID: 15660226). ClinVar contains an entry for this variant (Variation ID: 2918). This sequence change creates a premature translational stop signal (p.Trp38*) in the USH1G gene. It is expected to result in an absent or disrupted protein product. Loss-of-function variants in USH1G are known to be pathogenic (PMID: 12588794, 22219650).

OMIM
Classification: Pathogenic for USHER SYNDROME, TYPE IG. Last evaluated: 2005-03-01. Review status: no assertion criteria provided. Collection method: literature only. Allele origin: germline. Not counted in ClinVar's aggregate classification.

Literature cited by the submitters: PubMed 15660226 (cited by Labcorp Genetics (formerly Invitae), Labcorp and OMIM); PubMed 12588794 (cited by Labcorp Genetics (formerly Invitae), Labcorp); PubMed 22219650 (cited by Labcorp Genetics (formerly Invitae), Labcorp).

NM_173477.5(USH1G):c.113G>A (p.Trp38Ter)

Gene: USH1G (USH1 protein network component sans; minus strand). Cytogenetic location: 17q25.1.
Variant type: single nucleotide variant.
Coding change: c.113G>A on transcript NM_173477.5 (MANE Select); coding-DNA position 113, G replaced by A.
Protein change: p.Trp38Ter; replaces tryptophan 38 with a stop codon.
Molecular consequence: nonsense. On other transcripts: 5 prime UTR variant (1).
Genome position (GRCh38, 1-based): chr17:74,922,961, C>T on the plus strand (G>A on the coding strand, the complement: USH1G is on the minus strand). VCF-style: chr17-74922961-C-T. GRCh37 (hg19) VCF-style: chr17-72919056-C-T.
Other names: c.-144G>A (NM_001282489.3); short protein forms W38*.
Identifiers: ClinVar variation 2918 (VCV000002918.10), dbSNP rs104894652, ClinGen allele CA252490.